The following is an entry in ClinVar:

ClinVar aggregate classification (germline): Likely benign. Review status: criteria provided, multiple submitters, no conflicts (2 of 4 stars). 3 submissions from 3 submitters: Likely benign (2). 1 of the submissions does not count toward it. Last evaluated 2019-12-30.

Conditions:
Cardiovascular phenotype. Identifiers: MedGen CN230736.
RYR2-related disorder. Also called: RYR2-related condition.
Cardiomyopathy (CMYO). Also called: Cardiomyopathies. Identifiers: Orphanet 167848, MedGen C0878544, MONDO:0004994, HP:0001638. Inheritance: Various modes of inheritance.

Allele frequency attached by ClinVar (database versions not stated): TOPMed below 0.00001.

Submissions (3):

Ambry Genetics
Classification: Likely benign for Cardiovascular phenotype. Last evaluated: 2019-12-30. Review status: criteria provided, single submitter. Criteria: Ambry Variant Classification Scheme 2023. Collection method: clinical testing. Allele origin: germline.

Color Diagnostics, LLC DBA Color Health
Classification: Likely benign for Cardiomyopathy. Last evaluated: 2019-03-07. Review status: criteria provided, single submitter. Criteria: ACMG Guidelines, 2015. Collection method: clinical testing. Allele origin: germline.

PreventionGenetics, part of Exact Sciences
Classification: Likely benign for RYR2-related condition. Last evaluated: 2022-03-14. Review status: no assertion criteria provided. Collection method: clinical testing. Allele origin: germline. Not counted in ClinVar's aggregate classification.
Comment: This variant is classified as likely benign based on ACMG/AMP sequence variant interpretation guidelines (Richards et al. 2015 PMID: 25741868, with internal and published modifications).

NM_001035.3(RYR2):c.4113C>T (p.Asn1371=)

Genes: RYR2 (ryanodine receptor 2; plus strand), LOC126806067 (BRD4-independent group 4 enhancer GRCh37_chr1:237753258-237754457; plus strand). Cytogenetic location: 1q43.
Variant type: single nucleotide variant.
Coding change: c.4113C>T on transcript NM_001035.3 (MANE Select); coding-DNA position 4113, C replaced by T.
Protein change: p.Asn1371=; no amino-acid change (asparagine 1371 retained).
Molecular consequence: synonymous variant.
Genome position (GRCh38, 1-based): chr1:237,590,945, C>T. VCF-style: chr1-237590945-C-T. GRCh37 (hg19) VCF-style: chr1-237754245-C-T.
Other names: c.4113C>T (NM_001035.2).
Identifiers: ClinVar variation 918911 (VCV000918911.6), dbSNP rs866565532, ClinGen allele CA424030932.